The following is an entry in ClinVar:

ClinVar aggregate classification (germline): Uncertain significance. Review status: criteria provided, multiple submitters, no conflicts (2 of 4 stars). 2 submissions from 2 submitters: Uncertain significance (2). Last evaluated 2025-03-25.

Conditions:
Primary dilated cardiomyopathy (DCM). Also called: Dilated Cardiomyopathy. Identifiers: Orphanet 217604, MedGen C0007193, MeSH D002311, MONDO:0005021, HP:0001644. Inheritance: Various modes of inheritance.
Hypertrophic cardiomyopathy. Also called: HYPERTROPHIC MYOCARDIOPATHY. Identifiers: Orphanet 217569, MedGen C0007194, MeSH D002312, MONDO:0005045, HP:0001639.

Allele frequency attached by ClinVar (database versions not stated): gnomAD exomes 0.00002 and 0.00004; TOPMed 0.00002; gnomAD 0.00003; ExAC 0.00004.

Submissions (2):

Ambry Genetics
Classification: Uncertain significance. Last evaluated: 2025-03-25. Review status: criteria provided, single submitter. Criteria: Ambry Variant Classification Scheme 2023. Collection method: clinical testing. Allele origin: germline.
Comment: The p.E116Q variant (also known as c.346G>C), located in coding exon 4 of the PDLIM3 gene, results from a G to C substitution at nucleotide position 346. The glutamic acid at codon 116 is replaced by glutamine, an amino acid with highly similar properties. This amino acid position is conserved. In addition, this alteration is predicted to be tolerated by in silico analysis. Based on the available evidence, the clinical significance of this variant remains unclear.

Labcorp Genetics (formerly Invitae), Labcorp
Classification: Uncertain significance for Hypertrophic cardiomyopathy; Primary dilated cardiomyopathy. Last evaluated: 2021-08-06. Review status: criteria provided, single submitter. Criteria: Invitae Variant Classification Sherloc (09022015). Collection method: clinical testing. Allele origin: germline.
Comment: In summary, the available evidence is currently insufficient to determine the role of this variant in disease. Therefore, it has been classified as a Variant of Uncertain Significance. Algorithms developed to predict the effect of missense changes on protein structure and function (SIFT, PolyPhen-2, Align-GVGD) all suggest that this variant is likely to be tolerated, but these predictions have not been confirmed by published functional studies and their clinical significance is uncertain. This variant has not been reported in the literature in individuals with PDLIM3-related conditions. This variant is present in population databases (rs769389710, ExAC 0.007%). This sequence change replaces glutamic acid with glutamine at codon 116 of the PDLIM3 protein (p.Glu116Gln). The glutamic acid residue is highly conserved and there is a small physicochemical difference between glutamic acid and glutamine.

NM_014476.6(PDLIM3):c.346G>C (p.Glu116Gln)

Genes: PDLIM3 (PDZ and LIM domain 3; minus strand), LOC126807246 (BRD4-independent group 4 enhancer GRCh37_chr4:186434842-186436041; plus strand). Cytogenetic location: 4q35.1.
Variant type: single nucleotide variant.
Coding change: c.346G>C on transcript NM_014476.6 (MANE Select); coding-DNA position 346, G replaced by C.
Protein change: p.Glu116Gln; replaces glutamic acid 116 with glutamine.
Molecular consequence: missense variant. On other transcripts: intron variant (1).
Genome position (GRCh38, 1-based): chr4:185,514,322, C>G on the plus strand (G>C on the coding strand, the complement: PDLIM3 is on the minus strand). VCF-style: chr4-185514322-C-G. GRCh37 (hg19) VCF-style: chr4-186435476-C-G.
Other names: c.346G>C, p.Glu116Gln (NM_001257962.2); c.109G>C, p.Glu37Gln (NM_001257963.2); c.518+381G>C (NM_001114107.5); c.346G>C (NM_014476.4); short protein forms E116Q, E37Q.
Identifiers: ClinVar variation 1044748 (VCV001044748.10), dbSNP rs769389710, ClinGen allele CA3159810.